The following is an entry in ClinVar:

NM_001128178.3(NPHP1):c.1795C>G (p.Leu599Val)

Gene: NPHP1 (nephrocystin 1; minus strand). Cytogenetic location: 2q13.
Variant type: single nucleotide variant.
Coding change: c.1795C>G on transcript NM_001128178.3 (MANE Select); coding-DNA position 1795, C replaced by G.
Protein change: p.Leu599Val; replaces leucine 599 with valine.
Molecular consequence: missense variant. On other transcripts: 3 prime UTR variant (1).
Genome position (GRCh38, 1-based): chr2:110,124,030, G>C on the plus strand (C>G on the coding strand, the complement: NPHP1 is on the minus strand). VCF-style: chr2-110124030-G-C. GRCh37 (hg19) VCF-style: chr2-110881607-G-C.
Other names: c.1963C>G, p.Leu655Val (NM_000272.5); c.1606C>G, p.Leu536Val (NM_001128179.3); c.1792C>G, p.Leu598Val (NM_001374256.1); c.*37C>G (NM_001374257.1); c.1960C>G, p.Leu654Val (NM_207181.4); short protein forms L598V, L599V, L536V, L654V, L655V.
Identifiers: ClinVar variation 4998573 (VCV004998573.1).

ClinVar aggregate classification (germline): Uncertain significance (1 of 4 stars; one submission).

Conditions:
NPHP1-related disorder. Also called: NPHP1-related condition; NPHP1-related disorders.

Submission:

PreventionGenetics, part of Exact Sciences
Classification: Uncertain significance for NPHP1-related condition. Last evaluated: 2026-07-20. Review status: criteria provided, single submitter. Criteria: ACMG Guidelines, 2015. Collection method: clinical testing. Allele origin: germline.
Comment: The NPHP1 c.1963C>G variant is predicted to result in the amino acid substitution p.Leu655Val. To our knowledge, this variant has not been reported in the literature or in a large population database (gnomAD), indicating this variant is rare. At this time, the clinical significance of this variant is uncertain due to the absence of conclusive functional and genetic evidence.